The following is an entry in ClinVar:

ClinVar aggregate classification (germline): Uncertain significance (1 of 4 stars; one submission).

Conditions:
Renal coloboma syndrome (PAPRS). Also called: COLOBOMA OF OPTIC NERVE WITH RENAL DISEASE; OPTIC COLOBOMA, VESICOURETERAL REFLUX, AND RENAL ANOMALIES; OPTIC NERVE COLOBOMA WITH RENAL DISEASE; PAPILLORENAL SYNDROME; RENAL-COLOBOMA SYNDROME WITH MACULAR ABNORMALITIES; PAPILLORENAL SYNDROME WITH MILD OCULAR ABNORMALITIES. Identifiers: Orphanet 1475, MedGen C1852759, MONDO:0007352, OMIM 120330.
Focal segmental glomerulosclerosis 7 (FSGS7). Identifiers: Orphanet 656, MedGen C4014925, MONDO:0014451, OMIM 616002.

gnomAD v4.1: 9 of 1,614,038 alleles (0.00056%); highest among the groups gnomAD compares: Non-Finnish European, 0.00076%; no homozygotes.

Submission:

Labcorp Genetics (formerly Invitae), Labcorp
Classification: Uncertain significance for Renal coloboma syndrome; Focal segmental glomerulosclerosis 7. Last evaluated: 2024-11-08. Review status: criteria provided, single submitter. Criteria: Invitae Variant Classification Sherloc (09022015). Collection method: clinical testing. Allele origin: germline.
Comment: This sequence change replaces arginine, which is basic and polar, with tryptophan, which is neutral and slightly polar, at codon 117 of the PAX2 protein (p.Arg117Trp). This variant is not present in population databases (gnomAD no frequency). This variant has not been reported in the literature in individuals affected with PAX2-related conditions. An algorithm developed to predict the effect of missense changes on protein structure and function (PolyPhen-2) suggests that this variant is likely to be disruptive. In summary, the available evidence is currently insufficient to determine the role of this variant in disease. Therefore, it has been classified as a Variant of Uncertain Significance.

NM_000278.5(PAX2):c.349C>T (p.Arg117Trp)

Gene: PAX2 (paired box 2; plus strand). Cytogenetic location: 10q24.31.
Variant type: single nucleotide variant.
Coding change: c.349C>T on transcript NM_000278.5 (MANE Select); coding-DNA position 349, C replaced by T.
Protein change: p.Arg117Trp; replaces arginine 117 with tryptophan.
Molecular consequence: missense variant.
Genome position (GRCh38, 1-based): chr10:100,750,830, C>T. VCF-style: chr10-100750830-C-T. GRCh37 (hg19) VCF-style: chr10-102510587-C-T.
Other names: c.442C>T, p.Arg148Trp (NM_001304569.2); c.349C>T, p.Arg117Trp (NM_003987.5, NM_003988.5, NM_003989.5 and 1 more transcripts); short protein forms R117W, R148W.
Identifiers: ClinVar variation 3758620 (VCV003758620.2).
Genomic context (GRCh38, chr10:100,750,830, plus strand): 5'-GACAAGATTGCTGAATACAAACGACAGAACCCGACTATGTTCGCCTGGGAGATTCGAGAC[C>T]GGCTCCTGGCCGAGGGCATCTGTGACAATGACACAGTGCCCAGCGTCTCTTCCATCAACA-3'
Protein context (NP_000269.3, residues 107-127): PTMFAWEIRD[Arg117Trp]LLAEGICDND